The following is an entry in ClinVar:

NM_005359.6(SMAD4):c.287C>G (p.Ala96Gly)

Gene: SMAD4 (SMAD family member 4; plus strand). Cytogenetic location: 18q21.2.
Variant type: single nucleotide variant.
Coding change: c.287C>G on transcript NM_005359.6 (MANE Select); coding-DNA position 287, C replaced by G.
Protein change: p.Ala96Gly; replaces alanine 96 with glycine.
Molecular consequence: missense variant. On other transcripts: non-coding transcript variant (2).
Genome position (GRCh38, 1-based): chr18:51,048,723, C>G. VCF-style: chr18-51048723-C-G. GRCh37 (hg19) VCF-style: chr18-48575093-C-G.
Other names: c.287C>G, p.Ala96Gly (NM_001407041.1, NM_001407042.1, NM_001407043.1); short protein forms A96G.
Identifiers: ClinVar variation 3718151 (VCV003718151.2).

ClinVar aggregate classification (germline): Uncertain significance (1 of 4 stars; one submission).

Conditions:
Juvenile polyposis syndrome (JPS). Identifiers: Orphanet 2929, MedGen C0345893, MONDO:0017380, OMIM 174900.

Submission:

Labcorp Genetics (formerly Invitae), Labcorp
Classification: Uncertain significance for Juvenile polyposis syndrome. Last evaluated: 2024-08-28. Review status: criteria provided, single submitter. Criteria: Invitae Variant Classification Sherloc (09022015). Collection method: clinical testing. Allele origin: germline.
Comment: This sequence change replaces alanine, which is neutral and non-polar, with glycine, which is neutral and non-polar, at codon 96 of the SMAD4 protein (p.Ala96Gly). This variant is not present in population databases (gnomAD no frequency). This variant has not been reported in the literature in individuals affected with SMAD4-related conditions. Invitae Evidence Modeling of protein sequence and biophysical properties (such as structural, functional, and spatial information, amino acid conservation, physicochemical variation, residue mobility, and thermodynamic stability) has been performed for this missense variant. However, the output from this modeling did not meet the statistical confidence thresholds required to predict the impact of this variant on SMAD4 protein function. In summary, the available evidence is currently insufficient to determine the role of this variant in disease. Therefore, it has been classified as a Variant of Uncertain Significance.